The following is an entry in ClinVar:

NM_005609.4(PYGM):c.280C>T (p.Arg94Trp)

Gene: PYGM (glycogen phosphorylase, muscle associated; minus strand). Cytogenetic location: 11q13.1.
Variant type: single nucleotide variant.
Coding change: c.280C>T on transcript NM_005609.4 (MANE Select); coding-DNA position 280, C replaced by T.
Protein change: p.Arg94Trp; replaces arginine 94 with tryptophan.
Molecular consequence: missense variant. On other transcripts: intron variant (1).
Genome position (GRCh38, 1-based): chr11:64,758,668, G>A on the plus strand (C>T on the coding strand, the complement: PYGM is on the minus strand). VCF-style: chr11-64758668-G-A. GRCh37 (hg19) VCF-style: chr11-64526140-G-A.
Other names: c.244-402C>T (NM_001164716.1); short protein forms R94W.
Identifiers: ClinVar variation 456518 (VCV000456518.25), dbSNP rs370247862, ClinGen allele CA6080314.

ClinVar aggregate classification (germline): Pathogenic/Likely pathogenic. Review status: criteria provided, multiple submitters, no conflicts (2 of 4 stars). 10 submissions from 10 submitters: Pathogenic (9); Likely pathogenic (1). Last evaluated 2025-12-30.

Conditions:
Glycogen storage disease, type V (GSD5). Also called: MCARDLE DISEASE; MUSCLE GLYCOGEN PHOSPHORYLASE DEFICIENCY; MYOPHOSPHORYLASE DEFICIENCY; PYGM DEFICIENCY; McArdle type glycogen storage disease. Identifiers: Orphanet 368, MedGen C0017924, MONDO:0009293, OMIM 232600.
PYGM-related disorder. Also called: PYGM-related condition.

Allele frequency attached by ClinVar (database versions not stated): gnomAD 0.00001; TOPMed 0.00001; ExAC 0.00002; gnomAD exomes 0.00003 and 0.00004; ESP Exome Variant Server 0.00008.
gnomAD v4.1: 48 of 1,612,646 alleles (0.003%); highest among the groups gnomAD compares: Admixed American, 0.0067%; no homozygotes.

Submissions (10):

Variantyx, Inc.
Classification: Pathogenic for Glycogen storage disease, type V. Last evaluated: 2025-12-30. Review status: criteria provided, single submitter. Criteria: Variantyx Assertion Criteria 2022. Collection method: clinical testing. Allele origin: germline. Inheritance: Autosomal recessive inheritance. Affected: yes.
Comment: This is a nonsynonymous variant in the PYGM gene (OMIM: 608455). Pathogenic variants in this gene have been associated with autosomal recessive McArdle disease. This variant has been identified in the compound heterozygous state in the current proband and multiple affected individuals reported in the published literature (PMID: 39375813, 37919205, 34534370, 30316539, 12508303) (PM3). Functional studies have shown that this variant alters PYGM protein function (PMID: 39375813) (PS3) and multiple computational algorithms predict a deleterious effect for this variant (REVEL score: 0.911) (PP3). This variant has a 0.0067% maximum allele frequency in non-founder control populations (PM2). Based on the current evidence, this variant is classified as pathogenic for autosomal recessive McArdle disease.

Natera, Inc.
Classification: Pathogenic for Glycogen storage disease V. Last evaluated: 2025-10-23. Review status: criteria provided, single submitter. Criteria: Natera Variant Classification Schema (03/2026). Collection method: clinical testing. Allele origin: germline.
Comment: The c.280C>T variant in PYGM is a missense variant predicted to cause substitution of arginine to tryptophan at amino acid 94. This variant is rare in the general population with a frequency below the threshold expected for the associated phenotype(s). This variant has been observed in one or more individuals affected with the associated recessive disease, as either homozygous or compound heterozygous with a second variant (PMID: 17221871). Given the available evidence, this variant is classified as Pathogenic.

Labcorp Genetics (formerly Invitae), Labcorp
Classification: Pathogenic for Glycogen storage disease, type V. Last evaluated: 2025-10-02. Review status: criteria provided, single submitter. Criteria: Invitae Variant Classification Sherloc (09022015). Collection method: clinical testing. Allele origin: germline.
Comment: This sequence change replaces arginine, which is basic and polar, with tryptophan, which is neutral and slightly polar, at codon 94 of the PYGM protein (p.Arg94Trp). This variant is present in population databases (rs370247862, gnomAD 0.006%). This missense change has been observed in individual(s) with McArdle disease (glycogen storage disease type V) (PMID: 12508303, 16786513, 17324573, 17404776, 19472443, 21802952, 22250184). In at least one individual the data is consistent with being in trans (on the opposite chromosome) from a pathogenic variant. ClinVar contains an entry for this variant (Variation ID: 456518). Invitae Evidence Modeling of protein sequence and biophysical properties (such as structural, functional, and spatial information, amino acid conservation, physicochemical variation, residue mobility, and thermodynamic stability) indicates that this missense variant is expected to disrupt PYGM protein function with a positive predictive value of 95%. Experimental studies have shown that this missense change affects PYGM function (PMID: 12508303, 17324573, 17404776, 17994553, 22250184). For these reasons, this variant has been classified as Pathogenic.

Clinical Genetics Laboratory, University Hospital Schleswig-Holstein
Classification: Pathogenic for Glycogen storage disease, type V. Last evaluated: 2025-03-25. Review status: criteria provided, single submitter. Criteria: ACMG Guidelines, 2015. Collection method: clinical testing. Allele origin: germline. Affected: yes. Observed: 1 heterozygote.
Comment: ACMG criteria applied: PM2, PS4, PP3, PP1_Moderate, PP4

PreventionGenetics, part of Exact Sciences
Classification: Likely pathogenic for PYGM-related condition. Last evaluated: 2025-02-10. Review status: criteria provided, single submitter. Criteria: ACMG Guidelines, 2015. Collection method: clinical testing. Allele origin: germline.
Comment: The PYGM c.280C>T variant is predicted to result in the amino acid substitution p.Arg94Trp. This variant has been reported in the compound heterozygous state in individuals with McArdle disease (Deschauer et al. 2003. PubMed ID: 12508303, reported as R93W; Mahroo et al. 2019. PubMed ID: 30316539; Pizzamiglio et al. 2021. PubMed ID: 34534370). Alternate nucleotide changes affecting the same amino acid (p.Arg94Gln and p.Arg94Pro) have also been reported in association with McArdle disease (Santalla et al. 2017. PubMed ID: 29143597; Nabavi Nouri et al. 2018. PubMed ID: 29531726). This variant is reported in 0.0058% of alleles in individuals of Latino descent in gnomAD. In summary, we classify the c.280C>T (p.Arg94Trp) variant as likely pathogenic.

Fulgent Genetics
Classification: Pathogenic for Glycogen storage disease, type V. Last evaluated: 2024-03-13. Review status: criteria provided, single submitter. Criteria: ACMG Guidelines, 2015. Collection method: clinical testing. Allele origin: germline.

Baylor Genetics
Classification: Pathogenic for Glycogen storage disease, type V. Last evaluated: 2024-02-12. Review status: criteria provided, single submitter. Criteria: ACMG Guidelines, 2015. Collection method: clinical testing. Allele origin: unknown.

Revvity Omics, Revvity
Classification: Pathogenic for Glycogen storage disease, type V. Last evaluated: 2023-08-30. Review status: criteria provided, single submitter. Criteria: ACMG Guidelines, 2015. Collection method: clinical testing. Allele origin: germline.

Department of Pathology and Laboratory Medicine, Sinai Health System
Classification: Pathogenic for Glycogen storage disease, type V. Last evaluated: 2023-02-15. Review status: criteria provided, single submitter. Criteria: ACMG Guidelines, 2015. Collection method: research. Allele origin: germline.

GeneDx
Classification: Pathogenic. Last evaluated: 2019-04-18. Review status: criteria provided, single submitter. Criteria: GeneDx Variant Classification Process June 2021. Collection method: clinical testing. Allele origin: germline. Affected: yes.
Comment: Not observed at a significant frequency in large population cohorts (Lek et al., 2016); In silico analysis, which includes protein predictors and evolutionary conservation, supports a deleterious effect This variant is associated with the following publications: (PMID: 22347505, 19472443, 29143597, 21802952, 17994553, 17324573, 16786513, 17221871, 12508303, 30316539)

Literature cited by the submitters: PubMed 39375813 (cited by Variantyx, Inc.); PubMed 37919205 (cited by Variantyx, Inc.); PubMed 34534370 (cited by Variantyx, Inc.); PubMed 30316539 (cited by Variantyx, Inc.); PubMed 12508303 (cited by Variantyx, Inc. and Labcorp Genetics (formerly Invitae), Labcorp); PubMed 17221871 (cited by Natera, Inc.); PubMed 16786513 (cited by Labcorp Genetics (formerly Invitae), Labcorp); PubMed 17324573 (cited by Labcorp Genetics (formerly Invitae), Labcorp); PubMed 17404776 (cited by Labcorp Genetics (formerly Invitae), Labcorp); PubMed 19472443 (cited by Labcorp Genetics (formerly Invitae), Labcorp); PubMed 21802952 (cited by Labcorp Genetics (formerly Invitae), Labcorp); PubMed 22250184 (cited by Labcorp Genetics (formerly Invitae), Labcorp); PubMed 17994553 (cited by Labcorp Genetics (formerly Invitae), Labcorp).